The following is an entry in ClinVar:

ClinVar aggregate classification (germline): Pathogenic/Likely pathogenic. Review status: criteria provided, multiple submitters, no conflicts (2 of 4 stars). 5 submissions from 5 submitters: Pathogenic (1); Likely pathogenic (3). 1 of the submissions does not count toward it. Last evaluated 2026-01-27.

Conditions:
Abnormal pulmonary interstitial morphology. Also called: Interstitial lung disease; Interstitial pulmonary abnormality. Identifiers: Orphanet 182095, MedGen C5441745, MeSH D017563, MONDO:0015925, HP:0006530.
Short telomere length. Identifiers: MedGen C4531138, HP:0031413.
Macrocytic anemia. Identifiers: MedGen C0002886, MONDO:0002281, HP:0001972.
Premature graying of hair. Identifiers: MedGen C0263498, HP:0002216.
Pulmonary fibrosis. Identifiers: MedGen C0034069, MONDO:0002771, HP:0002206.
Dyskeratosis congenita. Identifiers: Orphanet 1775, MedGen C0265965, MONDO:0015780.
Dyskeratosis congenita, autosomal dominant 2. Identifiers: MedGen C3151443, MONDO:0013521, OMIM 613989.
Idiopathic Pulmonary Fibrosis. Also called: Idiopathic fibrosing alveolitis, chronic form; idiopathic fibrosing alveolitis. Identifiers: Orphanet 2032, MedGen C1800706, MeSH D054990, MONDO:0800504.

Allele frequency attached by ClinVar (database versions not stated): gnomAD 0.00001; TOPMed 0.00001.
gnomAD v4.1: 3 of 1,613,322 alleles (0.00019%); highest among the groups gnomAD compares: Non-Finnish European, 0.00025%; no homozygotes.

Submissions (5):

Labcorp Genetics (formerly Invitae), Labcorp
Classification: Pathogenic for Dyskeratosis congenita, autosomal dominant 2; Idiopathic Pulmonary Fibrosis. Last evaluated: 2026-01-27. Review status: criteria provided, single submitter. Criteria: Invitae Variant Classification Sherloc (09022015). Collection method: clinical testing. Allele origin: germline.
Comment: This sequence change replaces arginine, which is basic and polar, with tryptophan, which is neutral and slightly polar, at codon 938 of the TERT protein (p.Arg938Trp). This variant is not present in population databases (gnomAD no frequency). This missense change has been observed in individuals with idiopathic pulmonary fibrosis (PMID: 28099038; internal data). It has also been observed to segregate with disease in related individuals. ClinVar contains an entry for this variant (Variation ID: 916674). Invitae Evidence Modeling of protein sequence and biophysical properties (such as structural, functional, and spatial information, amino acid conservation, physicochemical variation, residue mobility, and thermodynamic stability) indicates that this missense variant is expected to disrupt TERT protein function with a positive predictive value of 95%. For these reasons, this variant has been classified as Pathogenic.

Ambry Genetics
Classification: Likely pathogenic for Dyskeratosis congenita. Last evaluated: 2025-12-16. Review status: criteria provided, single submitter. Criteria: Ambry Variant Classification Scheme 2023. Collection method: clinical testing. Allele origin: germline.
Comment: The p.R938W variant (also known as c.2812C>T), located in coding exon 11 of the TERT gene, results from a C to T substitution at nucleotide position 2812. The arginine at codon 938 is replaced by tryptophan, an amino acid with dissimilar properties. This variant has been detected in an individual with pulmonary disease, macrocytic anemia, early graying, and short telomere length (Feurstein S et al. Blood Adv, 2020 10;4:4873-4886). The alteration was also reported in an individual with idiopathic pulmonary fibrosis (Petrovski S et al. Am J Respir Crit Care Med, 2017 07;196:82-93). This variant is considered to be rare based on population cohorts in the Genome Aggregation Database (gnomAD). This missense alteration is located in a region that has a low rate of benign missense variation (Lek M et al. Nature. 2016 Aug 18;536(7616):285-91; DECIPHER: Database of Chromosomal Imbalance and Phenotype in Humans using Ensembl Resources. Firth H.V. et al. 2009. Am.J.Hum.Genet. 84, 524-533 (DOI)). This amino acid position is not well conserved in available vertebrate species. In addition, the in silico prediction for this alteration is inconclusive. Based on the majority of available evidence to date, this variant is likely to be pathogenic.

Genetic Services Laboratory, University of Chicago
Classification: Likely pathogenic. Last evaluated: 2021-04-28. Review status: criteria provided, single submitter. Criteria: ACMG Guidelines, 2015. Collection method: clinical testing. Allele origin: germline. Affected: yes.
Comment: DNA sequence analysis of the TERT gene demonstrated a sequence change, c.2812C>T, in exon 11 that results in an amino acid change, p.Arg938Trp. This sequence change is absent in the gnomAD population database. This sequence change has been identified in a patient with idiopathic pulmonary fibrosis (PMID: 28099038).The p.Arg938Trp change affects a poorly conserved amino acid residue located in the CTE domain of the TERT protein. The p.Arg938Trp substitution appears to be deleterious using several in-silico pathogenicity prediction tools (SIFT, PolyPhen2, CADD, REVEL). Further analysis of peripheral blood lymphocytes in this patient showed short telomere length below the first percentile (PMID: 33035329). Collectively, these evidences suggest p.Arg938Trp is likely pathogenic.

Godley laboratory, The University of Chicago
Classification: Likely pathogenic for Abnormal pulmonary interstitial morphology; Macrocytic anemia; Premature graying of hair; Short telomere length. Last evaluated: 2020-05-18. Review status: criteria provided, single submitter. Criteria: ACMG Guidelines, 2015. Collection method: clinical testing. Allele origin: germline. Inheritance: Autosomal dominant inheritance. Affected: yes. Observed: 1 heterozygote.
Comment: The telomere length was below the 1st percentile in lymphocytes. The following ACMG/AMP criteria were used: PS4_moderate, PM2, PP2, PP3.

Garcia Pulmonary Genetics Research Laboratory, Columbia University Irving Medical Center
Classification: Likely risk allele for Pulmonary fibrosis. Last evaluated: 2022-06-09. Review status: no assertion criteria provided. Collection method: research. Allele origin: germline. Affected: yes. Not counted in ClinVar's aggregate classification.
Comment: Leukocyte telomere length (by qPCR) less than 10th percentile age-adjusted

Literature cited by the submitters: PubMed 28099038 (cited by 3 submitters); PubMed 33035329 (cited by Ambry Genetics); PubMed 36028256 (cited by Ambry Genetics).

NM_198253.3(TERT):c.2812C>T (p.Arg938Trp)

Gene: TERT (telomerase reverse transcriptase; minus strand). Cytogenetic location: 5p15.33.
Variant type: single nucleotide variant.
Coding change: c.2812C>T on transcript NM_198253.3 (MANE Select); coding-DNA position 2812, C replaced by T.
Protein change: p.Arg938Trp; replaces arginine 938 with tryptophan.
Molecular consequence: missense variant. On other transcripts: intron variant (1).
Genome position (GRCh38, 1-based): chr5:1,264,435, G>A on the plus strand (C>T on the coding strand, the complement: TERT is on the minus strand). VCF-style: chr5-1264435-G-A. GRCh37 (hg19) VCF-style: chr5-1264550-G-A.
Other names: p.Arg938Trp; c.2654+2029C>T (NM_001193376.3); short protein forms R938W.
Identifiers: ClinVar variation 916674 (VCV000916674.42), dbSNP rs1422814635, ClinGen allele CA359071530.